The following is an entry in ClinVar:

NM_173660.5(DOK7):c.781C>T (p.Arg261Cys)

Gene: DOK7 (docking protein 7; plus strand). Cytogenetic location: 4p16.3.
Variant type: single nucleotide variant.
Coding change: c.781C>T on transcript NM_173660.5 (MANE Select); coding-DNA position 781, C replaced by T.
Protein change: p.Arg261Cys; replaces arginine 261 with cysteine.
Molecular consequence: missense variant. On other transcripts: 3 prime UTR variant (1), 5 prime UTR variant (1).
Genome position (GRCh38, 1-based): chr4:3,492,767, C>T. VCF-style: chr4-3492767-C-T. GRCh37 (hg19) VCF-style: chr4-3494494-C-T.
Other names: c.*2C>T (NM_001164673.2); c.-150C>T (NM_001256896.2); c.781C>T, p.Arg261Cys (NM_001301071.2); c.349C>T, p.Arg117Cys (NM_001363811.2); short protein forms R261C, R117C.
Identifiers: ClinVar variation 423589 (VCV000423589.17), dbSNP rs142821143, ClinGen allele CA2829223.

ClinVar aggregate classification (germline): Benign. Review status: criteria provided, multiple submitters, no conflicts (2 of 4 stars). 4 submissions from 4 submitters: Benign (3). 1 of the submissions does not count toward it. Last evaluated 2026-02-02.

Conditions:
DOK7-related disorder. Also called: DOK7-related condition.
Fetal akinesia deformation sequence 1 (FADS1). Also called: Fetal akinesia sequence; Pena-Shokeir syndrome type I. Identifiers: Orphanet 994, MedGen C1276035, MONDO:0100101, OMIM 208150, HP:0001989.
Congenital myasthenic syndrome 10. Also called: Myasthenia, limb-girdle, familial. Identifiers: Orphanet 590, MedGen C1850792, MONDO:0009690, OMIM 254300.

Allele frequency attached by ClinVar (database versions not stated): ESP Exome Variant Server 0.00023; TOPMed 0.00063; 1000 Genomes Project 0.00120; 1000 Genomes Project 30x 0.00156.

Submissions (4):

Labcorp Genetics (formerly Invitae), Labcorp
Classification: Benign for Congenital myasthenic syndrome 10; Fetal akinesia deformation sequence 1. Last evaluated: 2026-02-02. Review status: criteria provided, single submitter. Criteria: Invitae Variant Classification Sherloc (09022015). Collection method: clinical testing. Allele origin: germline.

GeneDx
Classification: Benign. Last evaluated: 2020-01-20. Review status: criteria provided, single submitter. Criteria: GeneDx Variant Classification Process June 2021. Collection method: clinical testing. Allele origin: germline. Affected: yes.

Breakthrough Genomics
Classification: Benign. Review status: criteria provided, single submitter. Criteria: ACMG Guidelines, 2015. Collection method: not provided. Allele origin: germline. Inheritance: Autosomal recessive inheritance. Affected: yes.

PreventionGenetics, part of Exact Sciences
Classification: Benign for DOK7-related condition. Last evaluated: 2020-02-25. Review status: no assertion criteria provided. Collection method: clinical testing. Allele origin: germline. Not counted in ClinVar's aggregate classification.
Comment: This variant is classified as benign based on ACMG/AMP sequence variant interpretation guidelines (Richards et al. 2015 PMID: 25741868, with internal and published modifications).